The following is an entry in ClinVar:

NM_152672.6(SLC51A):c.781-5C>T

Gene: SLC51A (solute carrier family 51 member A; plus strand). Cytogenetic location: 3q29.
Variant type: single nucleotide variant.
Coding change: c.781-5C>T on transcript NM_152672.6 (MANE Select); 5 bases into the intron before coding-DNA position 781, C replaced by T.
Molecular consequence: intron variant.
Genome position (GRCh38, 1-based): chr3:196,232,414, C>T. VCF-style: chr3-196232414-C-T. GRCh37 (hg19) VCF-style: chr3-195959285-C-T.
Identifiers: ClinVar variation 3054324 (VCV003054324.2), dbSNP rs372691007, ClinGen allele CA2779230.
Genomic context (GRCh38, chr3:196,232,414, plus strand): 5'-CTGGCTGCGTTCTGTGCCGTGAGGGCAGGCCCAGTCCACCCTTGCCTCTCTTTTATGTTC[C>T]GCAGGTTCTCCTCATCCTGACTGCCCTACAGCCCTCCATCTTCTCAGTCTTGGCCAACGG-3'

ClinVar aggregate classification (germline): Likely benign (0 of 4 stars; one submission).

Conditions:
SLC51A-related disorder. Also called: SLC51A-related condition.

Allele frequency attached by ClinVar (database versions not stated): ExAC 0.00009; gnomAD exomes 0.00016; ESP Exome Variant Server 0.00023; gnomAD 0.00023; TOPMed 0.00031.
gnomAD v4.1: 270 of 1,611,666 alleles (0.017%); highest among the groups gnomAD compares: African/African-American, 0.055%; no homozygotes.

Submission:

PreventionGenetics, part of Exact Sciences
Classification: Likely benign for SLC51A-related condition. Last evaluated: 2022-12-27. Review status: no assertion criteria provided. Collection method: clinical testing. Allele origin: germline.
Comment: This variant is classified as likely benign based on ACMG/AMP sequence variant interpretation guidelines (Richards et al. 2015 PMID: 25741868, with internal and published modifications).